The following is an entry in ClinVar:

ClinVar aggregate classification (germline): Uncertain significance (1 of 4 stars; one submission).

Conditions:
Hyper-IgE recurrent infection syndrome 1, autosomal dominant. Also called: JOB SYNDROME; Job's Syndrome; STAT3 Hyper IgE Syndrome; Hyper-IgE recurrent infection syndrome 1; HYPER-IgE SYNDROME 1, AUTOSOMAL DOMINANT, WITH RECURRENT INFECTIONS. Identifiers: Orphanet 2314, MedGen C2936739, MONDO:0007818, OMIM 147060.
STAT3 gain of function. Identifiers: MedGen C4288261.

Submission:

Labcorp Genetics (formerly Invitae), Labcorp
Classification: Uncertain significance for STAT3 gain of function; Hyper-IgE recurrent infection syndrome 1, autosomal dominant. Last evaluated: 2024-02-19. Review status: criteria provided, single submitter. Criteria: Invitae Variant Classification Sherloc (09022015). Collection method: clinical testing. Allele origin: germline.
Comment: This sequence change replaces glutamic acid, which is acidic and polar, with alanine, which is neutral and non-polar, at codon 616 of the STAT3 protein (p.Glu616Ala). This variant is not present in population databases (gnomAD no frequency). This variant has not been reported in the literature in individuals affected with STAT3-related conditions. Advanced modeling of protein sequence and biophysical properties (such as structural, functional, and spatial information, amino acid conservation, physicochemical variation, residue mobility, and thermodynamic stability) performed at Invitae indicates that this missense variant is not expected to disrupt STAT3 protein function with a negative predictive value of 80%. In summary, the available evidence is currently insufficient to determine the role of this variant in disease. Therefore, it has been classified as a Variant of Uncertain Significance.

NM_139276.3(STAT3):c.1847A>C (p.Glu616Ala)

Gene: STAT3 (signal transducer and activator of transcription 3; minus strand). Cytogenetic location: 17q21.2.
Variant type: single nucleotide variant.
Coding change: c.1847A>C on transcript NM_139276.3 (MANE Select); coding-DNA position 1847, A replaced by C.
Protein change: p.Glu616Ala; replaces glutamic acid 616 with alanine.
Molecular consequence: missense variant.
Genome position (GRCh38, 1-based): chr17:42,323,045, T>G on the plus strand (A>C on the coding strand, the complement: STAT3 is on the minus strand). VCF-style: chr17-42323045-T-G. GRCh37 (hg19) VCF-style: chr17-40475063-T-G.
Other names: c.1847A>C, p.Glu616Ala (NM_001369512.1, NM_001369513.1, NM_001369514.1 and 9 more transcripts); c.1763A>C, p.Glu588Ala (NM_001384984.1); c.1769A>C, p.Glu590Ala (NM_001384985.1); c.1862A>C, p.Glu621Ala (NM_001384986.1, NM_001384990.1); c.1826A>C, p.Glu609Ala (NM_001384987.1); c.1751A>C, p.Glu584Ala (NM_001384989.1); c.1820A>C, p.Glu607Ala (NM_001384991.1); c.1787A>C, p.Glu596Ala (NM_001384992.1); short protein forms E584A, E588A, E590A, E596A, E609A, E616A, E607A, E621A.
Identifiers: ClinVar variation 2941829 (VCV002941829.3), dbSNP rs2144691780, ClinGen allele CA399582843.